The following continues an entry in ClinVar:

NM_001276345.2(TNNT2):c.430C>T (p.Arg144Trp)

Gene: TNNT2. ClinVar aggregate classification (germline): Conflicting classifications of pathogenicity. Likely pathogenic (6); Uncertain significance (7).

Submissions 9 to 13 of 13:

Color Diagnostics, LLC DBA Color Health
Classification: Uncertain significance for Cardiomyopathy. Last evaluated: 2024-05-02. Review status: criteria provided, single submitter. Criteria: ACMG Guidelines, 2015. Collection method: clinical testing. Allele origin: germline.
Comment: This missense variant replaces arginine with tryptophan at codon 134 in the tropomyosin binding domain 1 of the TNNT2 protein. Computational prediction tools indicate that this variant has a deleterious impact on protein structure and function. To our knowledge, functional studies have not been reported for this variant. This variant has been reported in two individuals affected with hypertrophic cardiomyopathy (PMID: 27532257, 33297573), in one individual affected with left ventricular noncompaction (PMID: 34853230), and in one individual affected with dilated cardiomyopathy (PMID: 38473809). This variant has been identified in 1/249858 chromosomes in the general population by the Genome Aggregation Database (gnomAD). A different variant affecting the same codon, p.Arg134Gly, is considered to be disease-causing (ClinVar variation ID: 43639), suggesting that arginine at this position is important for TNNT2 protein function. Although there is a suspicion that this variant may be associated with disease, additional studies are necessary to determine the role of this variant in disease conclusively. Therefore, this variant is classified as a Variant of Uncertain Significance.

New York Genome Center
Classification: Likely pathogenic for Dilated cardiomyopathy 1D; Hypertrophic cardiomyopathy 2. Last evaluated: 2022-09-05. Review status: criteria provided, single submitter. Criteria: NYGC Assertion Criteria 2020. Collection method: clinical testing. Allele origin: germline. Affected: yes. Observed: 1 heterozygote.
Comment: The c.430C>T (p.Arg144Trp) variant identified in TNNT2 has been reported in the literature in at least two individuals affected with hypertrophic cardiomyopathy [PMID: 27532257, 33297573], and has been deposited in ClinVar as a Variant of Uncertain Significance [ClinVar ID:127070]. The c.430C>T variant is observed in 3 out of 588,858 heterozygous alleles (no homozygotes) in population databases (gnomAD v2.1.1 and v3.1.2, TOPMed Freeze 8) which might include individuals with cardiac abnormalities. The variant is located in exon 10 of this 16-exon gene, and is predicted to replace an evolutionarily conserved arginine aminoacid with tryptophan at position 144 in the Troponin domain of the encoded protein [uniport ID: P45379]. In silico predictions are in favor of damaging effect forp.(Arg144Trp) [REVEL score = 0.796]. An in vitro functional study showed that the induced pluripotent stem cell-differentiated cardiomyocytes (iPSC-CMs) carrying thec.430C>T p.(Arg144Trp) variant had an impaired response to isoproterenol when compared to the control iPSC-CMs [PMID: 30565988]. Based on available evidence, this c.430C>T p.(Arg144Trp) variant identified in TNNT2 is classified as Likely Pathogenic.

AiLife Diagnostics
Classification: Uncertain significance. Last evaluated: 2022-02-18. Review status: criteria provided, single submitter. Criteria: ACMG Guidelines, 2015. Collection method: clinical testing. Allele origin: germline. Affected: yes. Observed: 1 variant allele.

Biesecker Lab/Clinical Genomics Section, National Institutes of Health
Classification: Uncertain significance for Cardiomyopathy, dilated. Last evaluated: 2013-06-24. Review status: criteria provided, single submitter. Criteria: Ng et al. (Circ Cardiovasc Genet. 2013). Collection method: research. Allele origin: unknown. Observed: 1 variant allele. Study: ClinSeq.
Comment: The study set was not selected for affection status in relation to any cancer. HGMD phenotype assertion is uncertain. Pathogenicity categories were based on literature curation. See Pubmed ID:23861362 for details.

Medical sequencing

Juno Genomics, Hangzhou Juno Genomics, Inc
Classification: Likely pathogenic for Dilated cardiomyopathy 1D; Hypertrophic cardiomyopathy 2. Review status: criteria provided, single submitter. Criteria: ACMG Guidelines, 2015. Collection method: clinical testing. Allele origin: germline.
Comment: Absent from controls (or at extremely low frequency if recessive) in Genome Aggregation Database.;Novel missense change at an amino acid residue where a different missense change determined to be pathogenic has been seen before.;Multiple lines of computational evidence support a deleterious effect on the gene or gene product.;Co-segregation with disease in multiple affected family members.;The prevalence of the variant in affected individuals is significantly increased compared to the prevalence in controls.

Literature cited by the submitters: PubMed 27532257 (cited by 6 submitters); PubMed 33297573 (cited by 6 submitters); PubMed 35629155 (cited by Labcorp Genetics (formerly Invitae), Labcorp and Women's Health and Genetics/Laboratory Corporation of America, LabCorp); PubMed 37652022 (cited by Labcorp Genetics (formerly Invitae), Labcorp and Women's Health and Genetics/Laboratory Corporation of America, LabCorp); PubMed 30565988 (cited by 4 submitters); PubMed 20031601 (cited by Labcorp Genetics (formerly Invitae), Labcorp); PubMed 22464770 (cited by Labcorp Genetics (formerly Invitae), Labcorp); PubMed 23861362 (cited by Ambry Genetics); PubMed 31918855 (cited by Ambry Genetics); PubMed 34853230 (cited by 4 submitters); PubMed 38473809 (cited by 3 submitters).